The following is an entry in ClinVar:

NM_015338.6(ASXL1):c.763C>A (p.Pro255Thr)

Gene: ASXL1 (ASXL transcriptional regulator 1; plus strand). Cytogenetic location: 20q11.21.
Variant type: single nucleotide variant.
Coding change: c.763C>A on transcript NM_015338.6 (MANE Select); coding-DNA position 763, C replaced by A.
Protein change: p.Pro255Thr; replaces proline 255 with threonine.
Molecular consequence: missense variant.
Genome position (GRCh38, 1-based): chr20:32,431,365, C>A. VCF-style: chr20-32431365-C-A. GRCh37 (hg19) VCF-style: chr20-31019168-C-A.
Other names: c.580C>A, p.Pro194Thr (NM_001363734.1); short protein forms P194T, P255T.
Identifiers: ClinVar variation 4825225 (VCV004825225.1).

ClinVar aggregate classification (germline): Uncertain significance (1 of 4 stars; one submission).

Conditions:
Inborn genetic diseases. Identifiers: MedGen C0950123, MeSH D030342.

Submission:

Ambry Genetics
Classification: Uncertain significance for Inborn genetic diseases. Last evaluated: 2026-02-14. Review status: criteria provided, single submitter. Criteria: Ambry Variant Classification Scheme 2023. Collection method: clinical testing. Allele origin: germline.
Comment: The p.P255T variant (also known as c.763C>A), located in coding exon 9 of the ASXL1 gene, results from a C to A substitution at nucleotide position 763. The proline at codon 255 is replaced by threonine, an amino acid with highly similar properties. This amino acid position is conserved. In addition, this alteration is predicted to be deleterious by in silico analysis. Based on the available evidence, the clinical significance of this variant remains unclear.